The following is an entry in ClinVar:

ClinVar aggregate classification (germline): Uncertain significance (0 of 4 stars; one submission).

Conditions:
PLXNA4-related disorder. Also called: PLXNA4-related condition.

Submission:

PreventionGenetics, part of Exact Sciences
Classification: Uncertain significance for PLXNA4-related condition. Last evaluated: 2024-01-03. Review status: no assertion criteria provided. Collection method: clinical testing. Allele origin: germline.
Comment: The PLXNA4 c.295delC variant is predicted to result in a frameshift and premature protein termination (p.Arg99Alafs*10). To our knowledge, this variant has not been reported in the literature or in a large population database, indicating this variant is rare. Of note, loss of function variants has not commonly been reported in the PLXNA4 gene. At this time, the clinical significance of this variant is uncertain due to the absence of conclusive functional and genetic evidence.

NM_020911.2(PLXNA4):c.295del (p.Arg99fs)

Gene: PLXNA4 (plexin A4; minus strand). Cytogenetic location: 7q32.3.
Variant type: Deletion.
Coding change: c.295del on transcript NM_020911.2 (MANE Select); coding-DNA position 295, one base deleted (C; older notation c.295delC).
Protein change: p.Arg99fs; shifts the reading frame from arginine 99.
Molecular consequence: frameshift variant.
Genome position (GRCh38, 1-based): chr7:132,508,399, G deleted on the plus strand (C on the coding strand, the reverse complement: PLXNA4 is on the minus strand); the first of 4 consecutive G bases (chr7:132,508,399-132,508,402); deleting any one gives the same sequence. VCF-style (leftmost placement, unchanged base first): chr7-132508398-CG-C. GRCh37 (hg19) VCF-style: chr7-132193157-CG-C.
Other names: c.295del, p.Arg99fs (NM_001105543.2, NM_001393897.1, NM_181775.4); short protein forms R99fs.
Identifiers: ClinVar variation 3349445 (VCV003349445.1).